The following is an entry in ClinVar:

ClinVar aggregate classification (germline): Conflicting classifications of pathogenicity. Review status: criteria provided, conflicting classifications (1 of 4 stars). 11 submissions from 11 submitters: Uncertain significance (4); Likely benign (5). 2 of the submissions do not count toward it. Last evaluated 2026-10-01.

Conditions:
Cardiovascular phenotype. Identifiers: MedGen CN230736.
Cardiomyopathy (CMYO). Also called: Cardiomyopathies. Identifiers: Orphanet 167848, MedGen C0878544, MONDO:0004994, HP:0001638. Inheritance: Various modes of inheritance.
Catecholaminergic polymorphic ventricular tachycardia 1. Also called: VENTRICULAR TACHYCARDIA, STRESS-INDUCED POLYMORPHIC 1; VENTRICULAR TACHYCARDIA, CATECHOLAMINERGIC POLYMORPHIC, 1, WITH OR WITHOUT ATRIAL DYSFUNCTION AND/OR DILATED CARDIOMYOPATHY; RYR2-Related Catecholaminergic Polymorphic Ventricular Tachycardia. Identifiers: Orphanet 3286, MedGen C1631597, MONDO:0011484, OMIM 604772.
Conduction disorder of the heart. Also called: Cardiac conduction defect. Identifiers: Orphanet 871, MedGen C0264886, MONDO:0100042, OMIM 115080.

Allele frequency attached by ClinVar (database versions not stated): gnomAD exomes 0.00003 and 0.00006; gnomAD 0.00004; TOPMed 0.00005; ExAC 0.00008.

Submissions (11):

GeneDx
Classification: Uncertain significance. Last evaluated: 2026-10-01. Review status: criteria provided, single submitter. Criteria: GeneDx Variant Classification Process June 2021. Collection method: clinical testing. Allele origin: germline.
Comment: Reported in individuals with atrial fibrillation or LVNC as well as in a cohort of individuals not selected for cardiomyopathy, arrhythmia, or family history of sudden cardiac death who underwent exome sequencing (PMID: 31539150, 33500567, 23861362); In silico analysis supports that this missense variant has a deleterious effect on protein structure/function; Not located in one of the three hot-spot regions of the RYR2 gene, where the majority of pathogenic missense variants occur (PMID: 19926015); This variant is associated with the following publications: (PMID: 32508047, 33500567, 19926015, 23861362, 31539150)

Labcorp Genetics (formerly Invitae), Labcorp
Classification: Likely benign for Catecholaminergic polymorphic ventricular tachycardia 1. Last evaluated: 2026-01-18. Review status: criteria provided, single submitter. Criteria: Invitae Variant Classification Sherloc (09022015). Collection method: clinical testing. Allele origin: germline.

Women's Health and Genetics/Laboratory Corporation of America, LabCorp
Classification: Likely benign. Last evaluated: 2025-06-17. Review status: criteria provided, single submitter. Criteria: LabCorp Variant Classification Summary - May 2015. Collection method: clinical testing. Allele origin: germline.
Comment: Variant summary: RYR2 c.5923A>G (p.Met1975Val) results in a conservative amino acid change in the encoded protein sequence. Algorithms developed to predict the effect of missense changes on protein structure and function are either unavailable or do not agree on the potential impact of this missense change. The variant allele was found at a frequency of 6.1e-05 in 247224 control chromosomes. The observed variant frequency is approximately 2 fold of the estimated maximal expected allele frequency for a pathogenic variant in RYR2 causing Catecholaminergic Polymorphic Ventricular Tachycardia phenotype (3.4e-05). c.5923A>G has been observed in individual(s) affected with atrial fibrilation in which the variant did not segregate with disease (Maltese_2019), in a patient with left ventricular noncompaction without strong evidence for causality (Mazzarotto_2020), and in healthy controls (Luo_2020). These report(s) do not provide unequivocal conclusions about association of the variant with Catecholaminergic Polymorphic Ventricular Tachycardia. To our knowledge, no experimental evidence demonstrating an impact on protein function has been reported. The following publications have been ascertained in the context of this evaluation (PMID: 31539150, 32508047, 33500567). ClinVar contains an entry for this variant (Variation ID: 191483). Based on the evidence outlined above, the variant was classified as likely benign.

Ambry Genetics
Classification: Likely benign for Cardiovascular phenotype. Last evaluated: 2024-06-27. Review status: criteria provided, single submitter. Criteria: Ambry Variant Classification Scheme 2023. Collection method: clinical testing. Allele origin: germline.

Color Diagnostics, LLC DBA Color Health
Classification: Likely benign for Cardiomyopathy. Last evaluated: 2023-03-21. Review status: criteria provided, single submitter. Criteria: ACMG Guidelines, 2015. Collection method: clinical testing. Allele origin: germline.

Molecular Diagnostic Laboratory for Inherited Cardiovascular Disease, Montreal Heart Institute
Classification: Uncertain significance for Conduction disorder of the heart. Last evaluated: 2019-12-16. Review status: criteria provided, single submitter. Criteria: ACMG Guidelines, 2015. Collection method: clinical testing. Allele origin: germline. Affected: yes.

CHEO Genetics Diagnostic Laboratory, Children's Hospital of Eastern Ontario
Classification: Likely benign for Cardiomyopathy. Last evaluated: 2017-11-13. Review status: criteria provided, single submitter. Criteria: ACMG Guidelines, 2015. Collection method: clinical testing. Allele origin: germline.

Laboratory for Molecular Medicine, Mass General Brigham Personalized Medicine
Classification: Uncertain significance. Last evaluated: 2016-02-10. Review status: criteria provided, single submitter. Criteria: LMM Criteria. Collection method: clinical testing. Allele origin: germline. Observed: 1 variant allele.
Comment: The p.Met1975Val variant in RYR2 has not been previously reported in individuals with cardiomyopathy, but has been identified in 6/66168 European chromosomes by the Exome Aggregation Consortium (ExAC; dbSNP r s200318013). Computational prediction tools and conservation analysis do not pro vide strong support for or against an impact to the protein. In summary, the cli nical significance of the p.Met1975Val variant is uncertain.

Biesecker Lab/Clinical Genomics Section, National Institutes of Health
Classification: Uncertain significance. Last evaluated: 2013-06-24. Review status: criteria provided, single submitter. Criteria: Ng et al. (Circ Cardiovasc Genet. 2013). Collection method: research. Allele origin: unknown. Observed: 1 variant allele. Study: ClinSeq.
Comment: The study set was not selected for affection status in relation to any cancer. Pathogenicity categories were based on literature curation. See Pubmed ID:23861362 for details.

Medical sequencing

Clinical Genetics DNA and cytogenetics Diagnostics Lab, Erasmus MC, Erasmus Medical Center
Classification: Uncertain significance. Review status: no assertion criteria provided. Collection method: clinical testing. Allele origin: germline. Affected: yes. Study: VKGL Data-share Consensus. Not counted in ClinVar's aggregate classification.

Clinical Genetics, Academic Medical Center
Classification: Uncertain significance. Review status: no assertion criteria provided. Collection method: clinical testing. Allele origin: germline. Affected: yes. Study: VKGL Data-share Consensus. Not counted in ClinVar's aggregate classification.

Literature cited by the submitters: PubMed 31539150 (cited by Women's Health and Genetics/Laboratory Corporation of America, LabCorp and Ambry Genetics); PubMed 32508047 (cited by Women's Health and Genetics/Laboratory Corporation of America, LabCorp and Ambry Genetics); PubMed 33500567 (cited by Women's Health and Genetics/Laboratory Corporation of America, LabCorp).

NM_001035.3(RYR2):c.5923A>G (p.Met1975Val)

Gene: RYR2 (ryanodine receptor 2; plus strand). Cytogenetic location: 1q43.
Variant type: single nucleotide variant.
Coding change: c.5923A>G on transcript NM_001035.3 (MANE Select); coding-DNA position 5923, A replaced by G.
Protein change: p.Met1975Val; replaces methionine 1975 with valine.
Molecular consequence: missense variant.
Genome position (GRCh38, 1-based): chr1:237,623,771, A>G. VCF-style: chr1-237623771-A-G. GRCh37 (hg19) VCF-style: chr1-237787071-A-G.
Other names: p.M1975V:ATG>GTG; short protein forms M1975V.
Identifiers: ClinVar variation 191483 (VCV000191483.40), dbSNP rs200318013, ClinGen allele CA010073.
Genomic context (GRCh38, chr1:237,623,771, plus strand): 5'-TTCACCTTTCTTTTCTTCCTCCTTCTTCCTCTTTCTTGTTTTTCAAACTTTCAGATCAAT[A>G]TGCTTCTCAATTTTAAGGATGACAAAAGTGAATGTCCATGTCCAGAAGAAATTCGTGACC-3'
Protein context (NP_001026.2, residues 1965-1985): FRSPPQEQIN[Met1975Val]LLNFKDDKSE